The following is an entry in ClinVar:

ClinVar aggregate classification (germline): Benign. Review status: criteria provided, multiple submitters, no conflicts (2 of 4 stars). 2 submissions from 2 submitters: Benign (2). Last evaluated 2016-03-29.

Allele frequency attached by ClinVar (database versions not stated): gnomAD exomes 0.10524 and 0.10878; ExAC 0.10975; gnomAD 0.13202 and 0.13485; 1000 Genomes Project 0.13379; ESP Exome Variant Server 0.13406; 1000 Genomes Project 30x 0.13648; TOPMed 0.13705.
gnomAD v4.1: 174,067 of 1,612,088 alleles (11%); highest among the groups gnomAD compares: African/African-American, 20%; 10,248 homozygotes.

Submissions (2):

Laboratory for Molecular Medicine, Mass General Brigham Personalized Medicine
Classification: Benign. Last evaluated: 2016-03-29. Review status: criteria provided, single submitter. Criteria: LMM Criteria. Collection method: clinical testing. Allele origin: germline.
Comment: Variant identified in a genome or exome case(s) and assessed due to predicted null impact of the variant or pathogenic assertions in the literature or databases. Disclaimer: This variant has not undergone full assessment. The following are preliminary notes: Frequency

Breakthrough Genomics
Classification: Benign. Review status: criteria provided, single submitter. Criteria: ACMG Guidelines, 2015. Collection method: not provided. Allele origin: germline. Inheritance: Unknown mechanism. Affected: yes.

NM_001347886.2(DNAH3):c.4557C>G (p.Ile1519Met)

Gene: DNAH3 (dynein axonemal heavy chain 3; minus strand). Cytogenetic location: 16p12.3.
Variant type: single nucleotide variant.
Coding change: c.4557C>G on transcript NM_001347886.2 (MANE Select); coding-DNA position 4557, C replaced by G.
Protein change: p.Ile1519Met; replaces isoleucine 1519 with methionine.
Molecular consequence: missense variant.
Genome position (GRCh38, 1-based): chr16:21,039,887, G>C on the plus strand (C>G on the coding strand, the complement: DNAH3 is on the minus strand). VCF-style: chr16-21039887-G-C. GRCh37 (hg19) VCF-style: chr16-21051209-G-C.
Other names: c.4695C>G, p.Ile1565Met (NM_017539.2); short protein forms I1565M, I1519M.
Identifiers: ClinVar variation 402723 (VCV000402723.5), dbSNP rs330150, ClinGen allele CA7947669.